The following is an entry in ClinVar:

NM_001256012.3(MYH10):c.1138G>C (p.Ala380Pro)

Gene: MYH10 (myosin heavy chain 10; minus strand). Cytogenetic location: 17p13.1.
Variant type: single nucleotide variant.
Coding change: c.1138G>C on transcript NM_001256012.3 (MANE Select); coding-DNA position 1138, G replaced by C.
Protein change: p.Ala380Pro; replaces alanine 380 with proline.
Molecular consequence: missense variant.
Genome position (GRCh38, 1-based): chr17:8,548,334, C>G on the plus strand (G>C on the coding strand, the complement: MYH10 is on the minus strand). VCF-style: chr17-8548334-C-G. GRCh37 (hg19) VCF-style: chr17-8451652-C-G.
Other names: c.1135G>C, p.Ala379Pro (NM_001256095.2); c.1138G>C, p.Ala380Pro (NM_001375266.1); c.1108G>C, p.Ala370Pro (NM_005964.5); short protein forms A370P, A379P, A380P.
Identifiers: ClinVar variation 4879215 (VCV004879215.1).
Genomic context (GRCh38, chr17:8,548,334, plus strand): 5'-CCATCGAAACAGAAATAAAGTCAGTATTCATCAGTTTACCTGTATTTTCTGGCATGGAAG[C>G]TTGATCAGTATTTCTCTCCTTTTTGAAAGAAATATTTCCAAACTGTAGCACTGAAGATAC-3'
Protein context (NP_001242941.1, residues 370-390): SFKKERNTDQ[Ala380Pro]SMPENTVAQK

ClinVar aggregate classification (germline): Uncertain significance (1 of 4 stars; one submission).

Conditions:
MYH10-related disorder. Also called: MYH10-related condition.

Submission:

Clinical Genomics Laboratory, Washington University in St. Louis
Classification: Uncertain significance for MYH10-related disorder. Last evaluated: 2026-01-19. Review status: criteria provided, single submitter. Criteria: ACMG Guidelines, 2015. Collection method: clinical testing. Allele origin: germline.
Comment: The MYH10 c.1138G>C (p.Ala380Pro) variant, to our knowledge, has not been reported in the medical literature. This variant is absent from the general population (gnomAD v.2.1.1), indicating it is not a common variant. Computational predictors indicate that the variant is damaging, evidence that correlates with impact to MYH10 function. Due to limited information, and based on ACMG/AMP guidelines for variant interpretation (Richards S et al., PMID: 25741868), the clinical significance of this variant is uncertain at this time.

Literature cited by the submitters: PubMed 35980381.